The following is an entry in ClinVar:

ClinVar aggregate classification (germline): Uncertain significance (1 of 4 stars; one submission).

Submission:

Labcorp Genetics (formerly Invitae), Labcorp
Classification: Uncertain significance. Last evaluated: 2022-06-04. Review status: criteria provided, single submitter. Criteria: Invitae Variant Classification Sherloc (09022015). Collection method: clinical testing. Allele origin: germline.
Comment: In summary, the available evidence is currently insufficient to determine the role of this variant in disease. Therefore, it has been classified as a Variant of Uncertain Significance. This sequence change replaces leucine, which is neutral and non-polar, with glutamine, which is neutral and polar, at codon 1350 of the SPTBN2 protein (p.Leu1350Gln). This variant is not present in population databases (gnomAD no frequency). This variant has not been reported in the literature in individuals affected with SPTBN2-related conditions. Advanced modeling of protein sequence and biophysical properties (such as structural, functional, and spatial information, amino acid conservation, physicochemical variation, residue mobility, and thermodynamic stability) performed at Invitae indicates that this missense variant is not expected to disrupt SPTBN2 protein function.

NM_006946.4(SPTBN2):c.4049T>A (p.Leu1350Gln)

Gene: SPTBN2 (spectrin beta, non-erythrocytic 2; minus strand). Cytogenetic location: 11q13.2.
Variant type: single nucleotide variant.
Coding change: c.4049T>A on transcript NM_006946.4 (MANE Select); coding-DNA position 4049, T replaced by A.
Protein change: p.Leu1350Gln; replaces leucine 1350 with glutamine.
Molecular consequence: missense variant.
Genome position (GRCh38, 1-based): chr11:66,696,506, A>T on the plus strand (T>A on the coding strand, the complement: SPTBN2 is on the minus strand). VCF-style: chr11-66696506-A-T. GRCh37 (hg19) VCF-style: chr11-66463977-A-T.
Other names: c.4070T>A, p.Leu1357Gln (NM_001411025.1); short protein forms L1350Q, L1357Q.
Identifiers: ClinVar variation 2074096 (VCV002074096.4), dbSNP rs2496044994, ClinGen allele CA381471137.